The following is an entry in ClinVar:

NM_000222.3(KIT):c.120_123dup (p.Gly42fs)

Gene: KIT (KIT proto-oncogene, receptor tyrosine kinase; plus strand). Cytogenetic location: 4q12.
Variant type: Microsatellite.
Coding change: c.120_123dup on transcript NM_000222.3 (MANE Select); coding-DNA positions 120 to 123, 4 bases duplicated (TCCA; older notation c.120_123dupTCCA).
Protein change: p.Gly42fs; shifts the reading frame from glycine 42.
Molecular consequence: frameshift variant.
Genome position (GRCh38, 1-based): chr4:54,695,564-54,695,567, TCCA duplicated; duplicating any 4 consecutive bases within chr4:54,695,553-54,695,567 gives the same sequence; the c. name uses the placement nearest the transcript's 3' end. VCF-style (leftmost placement, unchanged base first): chr4-54695552-A-ACCAT. GRCh37 (hg19) VCF-style: chr4-55561718-A-ACCAT.
Other names: c.120_123dupTCCA (NM_000222.2); c.120_123dup, p.Gly42fs (NM_001385284.1, NM_001385285.1, NM_001385286.1 and 4 more transcripts); short protein forms G42fs.
Identifiers: ClinVar variation 1331201 (VCV001331201.10), dbSNP rs1161473997, ClinGen allele CA551651587.
Genomic context (GRCh38, chr4:54,695,552, plus strand): 5'-GATTCTGTTTTTCTTGGCAGGCTCTTCTCAACCATCTGTGAGTCCAGGGGAACCGTCTCC[A>ACCAT]CCATCCATCCATCCAGGAAAATCAGACTTAATAGTCCGCGTGGGCGACGAGATTAGGCTG-3'

ClinVar aggregate classification (germline): Conflicting classifications of pathogenicity. Review status: criteria provided, conflicting classifications (1 of 4 stars). 3 submissions from 3 submitters: Pathogenic (2); Likely benign (1). Last evaluated 2026-03-11.

Conditions:
Hereditary cancer-predisposing syndrome. Also called: Tumor predisposition; Hereditary Cancer Syndrome; Neoplastic Syndromes, Hereditary; Hereditary neoplastic syndrome. Identifiers: Orphanet 140162, MedGen C0027672, MeSH D009386, MONDO:0015356.
Gastrointestinal stromal tumor. Also called: Gastrointestinal stroma tumor; Gastrointestinal stromal tumor, somatic. Identifiers: Orphanet 44890, MedGen C0238198, MeSH D046152, MONDO:0011719, OMIM 606764, HP:0100723.

Submissions (3):

Ambry Genetics
Classification: Likely benign for Hereditary cancer-predisposing syndrome. Last evaluated: 2026-03-11. Review status: criteria provided, single submitter. Criteria: Ambry Variant Classification Scheme 2023. Collection method: clinical testing. Allele origin: germline.

Labcorp Genetics (formerly Invitae), Labcorp
Classification: Pathogenic for Gastrointestinal stromal tumor. Last evaluated: 2025-01-23. Review status: criteria provided, single submitter. Criteria: Invitae Variant Classification Sherloc (09022015). Collection method: clinical testing. Allele origin: germline.
Comment: This sequence change creates a premature translational stop signal (p.Gly42Serfs*15) in the KIT gene. It is expected to result in an absent or disrupted protein product. Loss-of-function variants in KIT are known to be pathogenic (PMID: 15194144). The frequency data for this variant in the population databases is considered unreliable, as metrics indicate poor data quality at this position in the gnomAD database. This variant has not been reported in the literature in individuals affected with KIT-related conditions. ClinVar contains an entry for this variant (Variation ID: 1331201). For these reasons, this variant has been classified as Pathogenic.

GeneDx
Classification: Pathogenic. Last evaluated: 2022-01-12. Review status: criteria provided, single submitter. Criteria: GeneDx Variant Classification Process June 2021. Collection method: clinical testing. Allele origin: germline. Affected: yes.
Comment: Frameshift variant predicted to result in protein truncation or nonsense mediated decay in a gene for which loss-of-function is a known mechanism of disease; Has not been previously published as pathogenic or benign to our knowledge; Not observed at significant frequency in large population cohorts (gnomAD)

Literature cited by the submitters: PubMed 15194144 (cited by Labcorp Genetics (formerly Invitae), Labcorp).